The following is an entry in ClinVar:

ClinVar aggregate classification (germline): Conflicting classifications of pathogenicity. Review status: criteria provided, conflicting classifications (1 of 4 stars). 2 submissions from 2 submitters: Uncertain significance (1); Likely benign (1). Last evaluated 2026-06-18.

Conditions:
Tuberous sclerosis 1 (TSC1). Identifiers: Orphanet 805, MedGen C1854465, MONDO:0008612, OMIM 191100.
Hereditary cancer-predisposing syndrome. Also called: Neoplastic Syndromes, Hereditary; Hereditary Cancer Syndrome; Tumor predisposition; Hereditary neoplastic syndrome. Identifiers: Orphanet 140162, MedGen C0027672, MeSH D009386, MONDO:0015356.

Submissions (2):

Ambry Genetics
Classification: Likely benign for Hereditary cancer-predisposing syndrome. Last evaluated: 2026-06-18. Review status: criteria provided, single submitter. Criteria: Ambry Variant Classification Scheme 2023. Collection method: clinical testing. Allele origin: germline.

Labcorp Genetics (formerly Invitae), Labcorp
Classification: Uncertain significance for Tuberous sclerosis 1. Last evaluated: 2024-01-21. Review status: criteria provided, single submitter. Criteria: Invitae Variant Classification Sherloc (09022015). Collection method: clinical testing. Allele origin: germline.
Comment: This sequence change replaces proline, which is neutral and non-polar, with alanine, which is neutral and non-polar, at codon 418 of the TSC1 protein (p.Pro418Ala). This variant is not present in population databases (gnomAD no frequency). This variant has not been reported in the literature in individuals affected with TSC1-related conditions. ClinVar contains an entry for this variant (Variation ID: 946157). Advanced modeling of protein sequence and biophysical properties (such as structural, functional, and spatial information, amino acid conservation, physicochemical variation, residue mobility, and thermodynamic stability) performed at Invitae indicates that this missense variant is not expected to disrupt TSC1 protein function with a negative predictive value of 95%. In summary, the available evidence is currently insufficient to determine the role of this variant in disease. Therefore, it has been classified as a Variant of Uncertain Significance.

NM_000368.5(TSC1):c.1252C>G (p.Pro418Ala)

Gene: TSC1 (TSC complex subunit 1; minus strand). Cytogenetic location: 9q34.13.
Variant type: single nucleotide variant.
Coding change: c.1252C>G on transcript NM_000368.5 (MANE Select); coding-DNA position 1252, C replaced by G.
Protein change: p.Pro418Ala; replaces proline 418 with alanine.
Molecular consequence: missense variant.
Genome position (GRCh38, 1-based): chr9:132,910,582, G>C on the plus strand (C>G on the coding strand, the complement: TSC1 is on the minus strand). VCF-style: chr9-132910582-G-C. GRCh37 (hg19) VCF-style: chr9-135785969-G-C.
Other names: c.1249C>G, p.Pro417Ala (NM_001162426.2); c.1099C>G, p.Pro367Ala (NM_001162427.2); c.889C>G, p.Pro297Ala (NM_001362177.2); short protein forms P297A, P367A, P418A, P417A.
Identifiers: ClinVar variation 946157 (VCV000946157.12), dbSNP rs1845895299, ClinGen allele CA375366753.
Genomic context (GRCh38, chr9:132,910,582, plus strand): 5'-GTGAGTCACTGTGCCTGGGCAGAGGGATAGCAGACGAGCTGGATCGCACCTTCCTGGGGG[G>C]TGTGACTGTGGCCTGGGGGAGTGAAATGTGCACGTAGTCATCCGAATGACAGAGTGGGGC-3'
Protein context (NP_000359.1, residues 408-428): HISLPQATVT[Pro418Ala]PRKEERMDSA